The following is an entry in ClinVar:

NM_001963.6(EGF):c.769G>C (p.Asp257His)

Gene: EGF (epidermal growth factor; plus strand). Cytogenetic location: 4q25.
Variant type: single nucleotide variant.
Coding change: c.769G>C on transcript NM_001963.6 (MANE Select); coding-DNA position 769, G replaced by C.
Protein change: p.Asp257His; replaces aspartic acid 257 with histidine.
Molecular consequence: missense variant.
Genome position (GRCh38, 1-based): chr4:109,945,104, G>C. VCF-style: chr4-109945104-G-C. GRCh37 (hg19) VCF-style: chr4-110866260-G-C.
Other names: c.769G>C, p.Asp257His (NM_001178130.3, NM_001178131.3, NM_001357021.2); short protein forms D257H.
Identifiers: ClinVar variation 347229 (VCV000347229.14), dbSNP rs11568911, ClinGen allele CA3043493.

ClinVar aggregate classification (germline): Benign/Likely benign. Review status: criteria provided, multiple submitters, no conflicts (2 of 4 stars). 4 submissions from 4 submitters: Benign (3); Likely benign (1). Last evaluated 2026-02-01.

Conditions:
Renal hypomagnesemia 4. Also called: HYPOMAGNESEMIA, RENAL, NORMOCALCIURIC. Identifiers: Orphanet 34527, MedGen C2673648, MONDO:0012717, OMIM 611718.

Allele frequency attached by ClinVar (database versions not stated): gnomAD exomes 0.00150; ExAC 0.00195; gnomAD 0.00527 and 0.00565; TOPMed 0.00587; 1000 Genomes Project 0.00619; 1000 Genomes Project 30x 0.00656; ESP Exome Variant Server 0.00661.
gnomAD v4.1: 1,605 of 1,613,982 alleles (0.099%); highest among the groups gnomAD compares: African/African-American, 1.9%; 12 homozygotes.

Submissions (4):

Labcorp Genetics (formerly Invitae), Labcorp
Classification: Benign. Last evaluated: 2026-02-01. Review status: criteria provided, single submitter. Criteria: Invitae Variant Classification Sherloc (09022015). Collection method: clinical testing. Allele origin: germline.

GeneDx
Classification: Likely benign. Last evaluated: 2021-11-23. Review status: criteria provided, single submitter. Criteria: GeneDx Variant Classification Process June 2021. Collection method: clinical testing. Allele origin: germline. Affected: yes.
Comment: See Variant Classification Assertion Criteria.

Illumina Laboratory Services, Illumina
Classification: Benign for Renal hypomagnesemia 4. Last evaluated: 2018-01-13. Review status: criteria provided, single submitter. Criteria: ICSL Variant Classification Criteria 13 December 2019. Collection method: clinical testing. Allele origin: germline.
Comment: This variant was observed in the ICSL laboratory as part of a predisposition screen in an ostensibly healthy population. It had not been previously curated by ICSL or reported in the Human Gene Mutation Database (HGMD: prior to June 1st, 2018), and was therefore a candidate for classification through an automated scoring system. Utilizing variant allele frequency, disease prevalence and penetrance estimates, and inheritance mode, an automated score was calculated to assess if this variant is too frequent to cause the disease. Based on the score and internal cut-off values, a variant classified as benign is not then subjected to further curation. The score for this variant resulted in a classification of benign for this disease.

Breakthrough Genomics
Classification: Benign. Review status: criteria provided, single submitter. Criteria: ACMG Guidelines, 2015. Collection method: not provided. Allele origin: germline. Inheritance: Autosomal recessive inheritance. Affected: yes.